The following is an entry in ClinVar:

NM_182961.4(SYNE1):c.11659G>C (p.Val3887Leu)

Gene: SYNE1 (spectrin repeat containing nuclear envelope protein 1; minus strand). Cytogenetic location: 6q25.2.
Variant type: single nucleotide variant.
Coding change: c.11659G>C on transcript NM_182961.4 (MANE Select); coding-DNA position 11659, G replaced by C.
Protein change: p.Val3887Leu; replaces valine 3887 with leucine.
Molecular consequence: missense variant.
Genome position (GRCh38, 1-based): chr6:152,350,692, C>G on the plus strand (G>C on the coding strand, the complement: SYNE1 is on the minus strand). VCF-style: chr6-152350692-C-G. GRCh37 (hg19) VCF-style: chr6-152671827-C-G.
Other names: c.11614G>C, p.Val3872Leu (NM_033071.5); c.11614G>C (NM_033071.3); short protein forms V3872L, V3887L.
Identifiers: ClinVar variation 1036054 (VCV001036054.8), dbSNP rs753931727, ClinGen allele CA4056628.

ClinVar aggregate classification (germline): Uncertain significance. Review status: criteria provided, multiple submitters, no conflicts (2 of 4 stars). 2 submissions from 2 submitters: Uncertain significance (2). Last evaluated 2025-10-02.

Conditions:
Emery-Dreifuss muscular dystrophy 4, autosomal dominant (EDMD4). Also called: EMERY-DREIFUSS MUSCULAR DYSTROPHY 4 WITH VARIABLE FEATURES. Identifiers: Orphanet 261, MedGen C2751807, MONDO:0013071, OMIM 612998.
Autosomal recessive ataxia, Beauce type. Also called: Spinocerebellar ataxia, autosomal recessive 8; ATAXIA, RECESSIVE, OF BEAUCE; SYNE1 Deficiency; SYNE1-Related Autosomal Recessive Cerebellar Ataxia. Identifiers: Orphanet 88644, MedGen C1853116, MONDO:0012549, OMIM 610743.

Allele frequency attached by ClinVar (database versions not stated): gnomAD 0.00001; gnomAD exomes 0.00001; TOPMed 0.00001; ExAC 0.00002.
gnomAD v4.1: 11 of 1,613,990 alleles (0.00068%); highest among the groups gnomAD compares: Admixed American, 0.0017%; no homozygotes.

Submissions (2):

Labcorp Genetics (formerly Invitae), Labcorp
Classification: Uncertain significance for Emery-Dreifuss muscular dystrophy 4, autosomal dominant; Autosomal recessive ataxia, Beauce type. Last evaluated: 2025-10-02. Review status: criteria provided, single submitter. Criteria: Invitae Variant Classification Sherloc (09022015). Collection method: clinical testing. Allele origin: germline.
Comment: This sequence change replaces valine, which is neutral and non-polar, with leucine, which is neutral and non-polar, at codon 3872 of the SYNE1 protein (p.Val3872Leu). This variant is present in population databases (rs753931727, gnomAD 0.003%). This variant has not been reported in the literature in individuals affected with SYNE1-related conditions. ClinVar contains an entry for this variant (Variation ID: 1036054). An algorithm developed to predict the effect of missense changes on protein structure and function (PolyPhen-2) suggests that this variant is likely to be tolerated. In summary, the available evidence is currently insufficient to determine the role of this variant in disease. Therefore, it has been classified as a Variant of Uncertain Significance.

Revvity Omics, Revvity
Classification: Uncertain significance. Last evaluated: 2025-06-16. Review status: criteria provided, single submitter. Criteria: ACMG Guidelines, 2015. Collection method: clinical testing. Allele origin: germline.